The following is an entry in ClinVar:

NM_000054.7(AVPR2):c.1010G>A (p.Arg337Gln)

Gene: AVPR2 (arginine vasopressin receptor 2; plus strand). Cytogenetic location: Xq28.
Variant type: single nucleotide variant.
Coding change: c.1010G>A on transcript NM_000054.7 (MANE Select); coding-DNA position 1010, G replaced by A.
Protein change: p.Arg337Gln; replaces arginine 337 with glutamine.
Molecular consequence: missense variant. On other transcripts: 3 prime UTR variant (1), non-coding transcript variant (1).
Genome position (GRCh38, 1-based): chrX:153,906,622, G>A. VCF-style: chrX-153906622-G-A. GRCh37 (hg19) VCF-style: chrX-153172076-G-A.
Other names: c.*186G>A (NM_001146151.3); short protein forms R337Q.
Identifiers: ClinVar variation 981523 (VCV000981523.2), dbSNP rs782160409, ClinGen allele CA10555119.

ClinVar aggregate classification (germline): Uncertain significance. Review status: criteria provided, multiple submitters, no conflicts (2 of 4 stars). 2 submissions from 2 submitters: Uncertain significance (2). Last evaluated 2022-02-09.

Conditions:
Diabetes insipidus, nephrogenic, X-linked. Also called: Nephrogenic Diabetes Insipidus, Type I. Identifiers: Orphanet 223, MedGen C1563705, MONDO:0010581, OMIM 304800.
Nephrogenic syndrome of inappropriate antidiuresis (NSIAD). Identifiers: Orphanet 93606, MedGen C1845202, MONDO:0010356, OMIM 300539.

Allele frequency attached by ClinVar (database versions not stated): TOPMed 0.00002; ExAC 0.00006; gnomAD exomes 0.00007 and 0.00014.

Submissions (2):

Fulgent Genetics
Classification: Uncertain significance for Nephrogenic syndrome of inappropriate antidiuresis; Diabetes insipidus, nephrogenic, X-linked. Last evaluated: 2022-02-09. Review status: criteria provided, single submitter. Criteria: ACMG Guidelines, 2015. Collection method: clinical testing. Allele origin: unknown.

Johns Hopkins Genomics, Johns Hopkins University
Classification: Uncertain significance for Diabetes insipidus, nephrogenic, X-linked. Last evaluated: 2020-09-23. Review status: criteria provided, single submitter. Criteria: ACMG Guidelines, 2015. Collection method: clinical testing. Allele origin: germline.
Comment: This AVPR2 variant (rs782160409) is rare (<0.1%) in a large population dataset (gnomAD: 12/177305 total alleles; 0.007%; 0 homozygotes; 3 hemizygotes) and has not been reported in ClinVar nor the literature, to our knowledge. Three bioinformatic tools queried predict that this substitution would be tolerated, and the arginine residue at this position is evolutionarily conserved across mammals. Due to insufficient evidence, we consider the clinical significance of c.1010G>A to be uncertain at this time.